The following is an entry in ClinVar:

ClinVar aggregate classification (germline): Likely pathogenic (1 of 4 stars; one submission).

Conditions:
RAI1-related disorder. Also called: RAI1-related condition.

Submission:

PreventionGenetics, part of Exact Sciences
Classification: Likely pathogenic for RAI1-related condition. Last evaluated: 2025-03-22. Review status: criteria provided, single submitter. Criteria: ACMG Guidelines, 2015. Collection method: clinical testing. Allele origin: germline.
Comment: The RAI1 c.5223dupA variant is predicted to result in a frameshift and premature protein termination (p.Gly1742Argfs*17). This variant was reported in a patient from a large cohort of individuals with autism spectrum disorder (Trost et al. 2022. PubMed ID: 36368308). This variant has not been reported in a large population database (gnomAD), indicating this variant is rare. Frameshift variants in RAI1 are expected to be pathogenic. This variant is interpreted as likely pathogenic.

NM_030665.4(RAI1):c.5223dup (p.Gly1742fs)

Gene: RAI1 (retinoic acid induced 1; plus strand). Cytogenetic location: 17p11.2.
Variant type: Duplication.
Coding change: c.5223dup on transcript NM_030665.4 (MANE Select); coding-DNA position 5223, one base duplicated (A; older notation c.5223dupA).
Protein change: p.Gly1742fs; shifts the reading frame from glycine 1742.
Molecular consequence: frameshift variant.
Genome position (GRCh38, 1-based): chr17:17,798,171, A duplicated; the last of 3 consecutive A bases (chr17:17,798,169-17,798,171); duplicating any one gives the same sequence. VCF-style (leftmost placement, unchanged base first): chr17-17798168-C-CA. GRCh37 (hg19) VCF-style: chr17-17701482-C-CA.
Other names: short protein forms G1742fs.
Identifiers: ClinVar variation 5001431 (VCV005001431.1).